The following is an entry in ClinVar:

ClinVar aggregate classification (germline): Likely pathogenic. Review status: criteria provided, multiple submitters, no conflicts (2 of 4 stars). 2 submissions from 2 submitters: Likely pathogenic (2). Last evaluated 2026-08-25.

Conditions:
Hereditary cancer-predisposing syndrome. Also called: Tumor predisposition; Hereditary neoplastic syndrome; Hereditary Cancer Syndrome; Neoplastic Syndromes, Hereditary. Identifiers: Orphanet 140162, MedGen C0027672, MeSH D009386, MONDO:0015356.
Cardiovascular phenotype. Identifiers: MedGen CN230736.

Submissions (2):

Ambry Genetics
Classification: Likely pathogenic for Cardiovascular phenotype; Hereditary cancer-predisposing syndrome. Last evaluated: 2026-08-25. Review status: criteria provided, single submitter. Criteria: Ambry Variant Classification Scheme 2023. Collection method: clinical testing. Allele origin: germline.
Comment: The c.400+1G>T intronic variant results from a G to T substitution one nucleotide after coding exon 4 of the LZTR1 gene. This variant is considered to be rare based on population cohorts in the Genome Aggregation Database (gnomAD). This nucleotide position is highly conserved in available vertebrate species. In silico splice site analysis predicts that this alteration will weaken the native splice donor site. RNA studies have demonstrated that this variant results in abnormal splicing in the set of samples tested (Ambry internal data). Loss-of-function variants in LZTR1 are related to an increased risk for schwannomas and autosomal recessive Noonan syndrome; however, such associations with autosomal dominant Noonan syndrome have not been observed (Piotrowski A et al. Nat Genet. 2014 Feb;46:182-7; Yamamoto GL et al. J Med Genet. 2015 Jun;52:413-21; Johnston JJ et al. Genet Med. 2018 10;20:1175-1185). Based on the supporting evidence, this variant is likely pathogenic for an increased risk of LZTR1-related schwannomatosis (SWN) and would be expected to cause autosomal recessive Noonan syndrome when present along with a second pathogenic or likely pathogenic variant on the other allele; however, the association of this variant with autosomal dominant Noonan syndrome is unlikely.

Labcorp Genetics (formerly Invitae), Labcorp
Classification: Likely pathogenic. Last evaluated: 2024-10-03. Review status: criteria provided, single submitter. Criteria: Invitae Variant Classification Sherloc (09022015). Collection method: clinical testing. Allele origin: germline.
Comment: This sequence change affects a donor splice site in intron 4 of the LZTR1 gene. It is expected to disrupt RNA splicing. Variants that disrupt the donor or acceptor splice site typically lead to a loss of protein function (PMID: 16199547), and loss-of-function variants in LZTR1 are known to be pathogenic (PMID: 24362817, 25335493, 25480913, 25795793, 29469822, 30368668, 30442762, 30442766, 30481304, 30859559). This variant is not present in population databases (gnomAD no frequency). This variant has not been reported in the literature in individuals affected with LZTR1-related conditions. Algorithms developed to predict the effect of sequence changes on RNA splicing suggest that this variant may disrupt the consensus splice site. In summary, the currently available evidence indicates that the variant is pathogenic, but additional data are needed to prove that conclusively. Therefore, this variant has been classified as Likely Pathogenic.

Literature cited by the submitters: PubMed 16199547 (cited by Labcorp Genetics (formerly Invitae), Labcorp); PubMed 24362817 (cited by Labcorp Genetics (formerly Invitae), Labcorp); PubMed 25335493 (cited by Labcorp Genetics (formerly Invitae), Labcorp); PubMed 25480913 (cited by Labcorp Genetics (formerly Invitae), Labcorp); PubMed 25795793 (cited by Labcorp Genetics (formerly Invitae), Labcorp); PubMed 29469822 (cited by Labcorp Genetics (formerly Invitae), Labcorp); PubMed 30368668 (cited by Labcorp Genetics (formerly Invitae), Labcorp); PubMed 30442762 (cited by Labcorp Genetics (formerly Invitae), Labcorp); PubMed 30442766 (cited by Labcorp Genetics (formerly Invitae), Labcorp); PubMed 30481304 (cited by Labcorp Genetics (formerly Invitae), Labcorp); PubMed 30859559 (cited by Labcorp Genetics (formerly Invitae), Labcorp).

NM_006767.4(LZTR1):c.400+1G>T

Gene: LZTR1 (leucine zipper like post translational regulator 1; plus strand). Cytogenetic location: 22q11.21.
Variant type: single nucleotide variant.
Coding change: c.400+1G>T on transcript NM_006767.4 (MANE Select); the canonical splice donor site of the intron after coding-DNA position 400, G replaced by T.
Molecular consequence: splice donor variant.
Genome position (GRCh38, 1-based): chr22:20,987,584, G>T. VCF-style: chr22-20987584-G-T. GRCh37 (hg19) VCF-style: chr22-21341873-G-T.
Other names: c.400+1G>T (NM_006767.3).
Identifiers: ClinVar variation 3715721 (VCV003715721.3).